The following is an entry in ClinVar:

NM_000535.7(PMS2):c.2255A>T (p.Asp752Val)

Gene: PMS2 (PMS1 homolog 2, mismatch repair system component; minus strand). Cytogenetic location: 7p22.1.
Variant type: single nucleotide variant.
Coding change: c.2255A>T on transcript NM_000535.7 (MANE Select); coding-DNA position 2255, A replaced by T.
Protein change: p.Asp752Val; replaces aspartic acid 752 with valine.
Molecular consequence: missense variant. On other transcripts: non-coding transcript variant (1), intron variant (2).
Genome position (GRCh38, 1-based): chr7:5,978,616, T>A on the plus strand (A>T on the coding strand, the complement: PMS2 is on the minus strand). VCF-style: chr7-5978616-T-A. GRCh37 (hg19) VCF-style: chr7-6018247-T-A.
Other names: c.1850A>T, p.Asp617Val (NM_001018040.1, NM_001322003.2, NM_001322004.2 and 15 more transcripts); c.2099A>T, p.Asp700Val (NM_001322006.2, NM_001406870.1); c.1937A>T, p.Asp646Val (NM_001322007.2, NM_001322008.2, NM_001406876.1 and 1 more transcripts); c.1694A>T, p.Asp565Val (NM_001322010.2, NM_001406906.1, NM_001406907.1); c.1322A>T, p.Asp441Val (NM_001322011.2, NM_001322012.2); c.1682A>T, p.Asp561Val (NM_001322013.2, NM_001406908.1, NM_001406909.1); c.2255A>T, p.Asp752Val (NM_001322014.2); c.1946A>T, p.Asp649Val (NM_001322015.2, NM_001406875.1, NM_001406877.1 and 5 more transcripts); and 16 more; short protein forms D441V, D597V, D630V, D649V, D700V, D351V, D581V, D640V.
Identifiers: ClinVar variation 2447019 (VCV002447019.2), dbSNP rs1209701201, ClinGen allele CA366736521.

ClinVar aggregate classification (germline): Uncertain significance (1 of 4 stars; one submission).

Conditions:
Hereditary cancer-predisposing syndrome. Also called: Neoplastic Syndromes, Hereditary; Hereditary Cancer Syndrome; Tumor predisposition; Hereditary neoplastic syndrome. Identifiers: Orphanet 140162, MedGen C0027672, MeSH D009386, MONDO:0015356.

Submission:

Ambry Genetics
Classification: Uncertain significance for Hereditary cancer-predisposing syndrome. Last evaluated: 2023-01-17. Review status: criteria provided, single submitter. Criteria: Ambry Variant Classification Scheme 2023. Collection method: clinical testing. Allele origin: germline.
Comment: The p.D752V variant (also known as c.2255A>T), located in coding exon 13 of the PMS2 gene, results from an A to T substitution at nucleotide position 2255. The aspartic acid at codon 752 is replaced by valine, an amino acid with highly dissimilar properties. This amino acid position is conserved. In addition, the in silico prediction for this alteration is inconclusive. Since supporting evidence is limited at this time, the clinical significance of this alteration remains unclear.